The following is an entry in ClinVar:

ClinVar aggregate classification (germline): Likely benign. Review status: criteria provided, multiple submitters, no conflicts (2 of 4 stars). 3 submissions from 3 submitters: Likely benign (2). 1 of the submissions does not count toward it. Last evaluated 2024-10-31.

Conditions:
TUBGCP2-related disorder. Also called: TUBGCP2-related condition.

Allele frequency attached by ClinVar (database versions not stated): 1000 Genomes Project 30x 0.00031.
gnomAD v4.1: 1,453 of 1,584,424 alleles (0.092%); highest among the groups gnomAD compares: Non-Finnish European, 0.11%; 2 homozygotes.

Submissions (3):

Blueprint Genetics
Classification: Likely benign. Last evaluated: 2024-10-31. Review status: criteria provided, single submitter. Criteria: ACMG Guidelines, 2015. Collection method: clinical testing. Allele origin: germline.

CeGaT Center for Human Genetics Tuebingen
Classification: Likely benign. Last evaluated: 2024-02-01. Review status: criteria provided, single submitter. Criteria: CeGaT Center For Human Genetics Tuebingen Variant Classification Criteria Version 2. Collection method: clinical testing. Allele origin: germline. Affected: yes. Observed: 1 variant allele.
Comment: TUBGCP2: BP4

PreventionGenetics, part of Exact Sciences
Classification: Likely benign for TUBGCP2-related condition. Last evaluated: 2022-07-28. Review status: no assertion criteria provided. Collection method: clinical testing. Allele origin: germline. Not counted in ClinVar's aggregate classification.
Comment: This variant is classified as likely benign based on ACMG/AMP sequence variant interpretation guidelines (Richards et al. 2015 PMID: 25741868, with internal and published modifications).

NM_006659.4(TUBGCP2):c.2290-5C>T

Gene: TUBGCP2 (tubulin gamma complex component 2; minus strand). Cytogenetic location: 10q26.3.
Variant type: single nucleotide variant.
Coding change: c.2290-5C>T on transcript NM_006659.4 (MANE Select); 5 bases into the intron before coding-DNA position 2290, C replaced by T.
Molecular consequence: intron variant.
Genome position (GRCh38, 1-based): chr10:133,282,347, G>A on the plus strand (C>T on the coding strand, the complement: TUBGCP2 is on the minus strand). VCF-style: chr10-133282347-G-A. GRCh37 (hg19) VCF-style: chr10-135095851-G-A.
Other names: c.1900-5C>T (NM_001256618.2); c.2374-5C>T (NM_001256617.2, NM_001256617.1).
Identifiers: ClinVar variation 3025110 (VCV003025110.24), dbSNP rs112390120, ClinGen allele CA5763558.